The following is an entry in ClinVar:

NM_018979.4(WNK1):c.6152G>A (p.Ser2051Asn)

Gene: WNK1 (WNK lysine deficient protein kinase 1; plus strand). Cytogenetic location: 12p13.33.
Variant type: single nucleotide variant.
Coding change: c.6152G>A on transcript NM_018979.4 (MANE Select); coding-DNA position 6152, G replaced by A.
Protein change: p.Ser2051Asn; replaces serine 2051 with asparagine.
Molecular consequence: missense variant.
Genome position (GRCh38, 1-based): chr12:896,639, G>A. VCF-style: chr12-896639-G-A. GRCh37 (hg19) VCF-style: chr12-1005805-G-A.
Other names: c.6932G>A, p.Ser2311Asn (NM_001184985.2); c.5408G>A, p.Ser1803Asn (NM_014823.3); c.6908G>A, p.Ser2303Asn (NM_213655.5); short protein forms S2311N, S2051N, S2303N, S1803N.
Identifiers: ClinVar variation 658230 (VCV000658230.9), dbSNP rs561238194, ClinGen allele CA6383341.

ClinVar aggregate classification (germline): Uncertain significance (1 of 4 stars; one submission).

Conditions:
Pseudohypoaldosteronism type 2C (PHA2C). Also called: Pseudohypoaldosteronism Type IIC. Identifiers: Orphanet 757, Orphanet 88940, MedGen C1840391, MONDO:0013778, OMIM 614492.
Neuropathy, hereditary sensory and autonomic, type 2A (HSAN2A). Also called: ACROOSTEOLYSIS, GIACCAI TYPE; ACROOSTEOLYSIS, NEUROGENIC; HSAN IIA; WNK1-Related HSAN2 (HSAN2A); MORVAN DISEASE; NEUROPATHY, CONGENITAL SENSORY. Identifiers: Orphanet 970, MedGen C2752089, MONDO:0024309, OMIM 201300.

Allele frequency attached by ClinVar (database versions not stated): TOPMed below 0.00001; gnomAD 0.00001; 1000 Genomes Project 30x 0.00016; 1000 Genomes Project 0.00020.
gnomAD v4.1: 3 of 1,608,388 alleles (0.00019%); highest among the groups gnomAD compares: Admixed American, 0.0017%; no homozygotes.

Submission:

Labcorp Genetics (formerly Invitae), Labcorp
Classification: Uncertain significance for Neuropathy, hereditary sensory and autonomic, type 2A; Pseudohypoaldosteronism type 2C. Last evaluated: 2023-11-01. Review status: criteria provided, single submitter. Criteria: Invitae Variant Classification Sherloc (09022015). Collection method: clinical testing. Allele origin: germline.
Comment: This sequence change replaces serine, which is neutral and polar, with asparagine, which is neutral and polar, at codon 2303 of the WNK1 protein (p.Ser2303Asn). This variant is present in population databases (rs561238194, gnomAD 0.007%). This variant has not been reported in the literature in individuals affected with WNK1-related conditions. ClinVar contains an entry for this variant (Variation ID: 658230). Advanced modeling of protein sequence and biophysical properties (such as structural, functional, and spatial information, amino acid conservation, physicochemical variation, residue mobility, and thermodynamic stability) performed at Invitae indicates that this missense variant is not expected to disrupt WNK1 protein function with a negative predictive value of 95%. In summary, the available evidence is currently insufficient to determine the role of this variant in disease. Therefore, it has been classified as a Variant of Uncertain Significance.